The following is an entry in ClinVar:

NM_000553.6(WRN):c.3309+2T>G

Gene: WRN (WRN RecQ like helicase; plus strand). Cytogenetic location: 8p12.
Variant type: single nucleotide variant.
Coding change: c.3309+2T>G on transcript NM_000553.6 (MANE Select); the canonical splice donor site of the intron after coding-DNA position 3309, T replaced by G.
Molecular consequence: splice donor variant.
Genome position (GRCh38, 1-based): chr8:31,142,703, T>G. VCF-style: chr8-31142703-T-G. GRCh37 (hg19) VCF-style: chr8-31000219-T-G.
Identifiers: ClinVar variation 2864706 (VCV002864706.3), dbSNP rs2536033601, ClinGen allele CA370923543.
Genomic context (GRCh38, chr8:31,142,703, plus strand): 5'-CGGGCACCAAAGAGCATTGTTATAATCAAGTACCAGTTGAATTAAGTACAGAGAAGAAGG[T>G]TTGTTTTAAAGAAATTGTTCTGATTTATTTCATTCTTTATTGATTCAAATTCTGTTTAAA-3'

ClinVar aggregate classification (germline): Likely pathogenic (1 of 4 stars; one submission).

Conditions:
Werner syndrome (WRN). Identifiers: Orphanet 902, MedGen C0043119, MONDO:0010196, OMIM 277700.

Submission:

Labcorp Genetics (formerly Invitae), Labcorp
Classification: Likely pathogenic for Werner syndrome. Last evaluated: 2023-05-16. Review status: criteria provided, single submitter. Criteria: Invitae Variant Classification Sherloc (09022015). Collection method: clinical testing. Allele origin: germline.
Comment: In summary, the currently available evidence indicates that the variant is pathogenic, but additional data are needed to prove that conclusively. Therefore, this variant has been classified as Likely Pathogenic. Algorithms developed to predict the effect of sequence changes on RNA splicing suggest that this variant may disrupt the consensus splice site. This variant has not been reported in the literature in individuals affected with WRN-related conditions. This variant is not present in population databases (gnomAD no frequency). This sequence change affects a donor splice site in intron 27 of the WRN gene. It is expected to disrupt RNA splicing. Variants that disrupt the donor or acceptor splice site typically lead to a loss of protein function (PMID: 16199547), and loss-of-function variants in WRN are known to be pathogenic (PMID: 16673358).

Literature cited by the submitters: PubMed 16199547; PubMed 16673358.